The following is an entry in ClinVar:

ClinVar aggregate classification (germline): Likely benign (1 of 4 stars; one submission).

Conditions:
Leigh syndrome (NULS). Also called: Leigh's necrotizing encephalopathy; Leigh's disease; Leigh Syndrome (mtDNA deletion); Leigh Disease; Subacute necrotizing encephalopathy; Necrotizing encephalopathy infantile subacute of Leigh. Identifiers: Orphanet 506, MedGen C2931891, MONDO:0009723, OMIM 256000.

Submission:

Wong Mito Lab, Molecular and Human Genetics, Baylor College of Medicine
Classification: Likely benign for Leigh syndrome. Last evaluated: 2019-10-17. Review status: criteria provided, single submitter. Criteria: Modified ACMG Guidelines (Unpublished). Collection method: clinical testing. Allele origin: germline.
Comment: The NC_012920.1:m.5191C>T (YP_003024027.1:p.Thr241Met) variant in MTND2 gene is interpretated to be a Likely Benign variant based on the modified ACMG guidelines (unpublished). This variant meets the following evidence codes: BS1, BP4

NC_012920.1(MT-ND2):m.5191C>T

Gene: MT-ND2 (mitochondrially encoded NADH dehydrogenase 2; plus strand).
Variant type: single nucleotide variant.
Genome position: chrM-5191-C-T.
Identifiers: ClinVar variation 692554 (VCV000692554.1), dbSNP rs1603219822, ClinGen allele CA414779268.
Genomic context (GRCh38, chrMT:5,191, plus strand): 5'-TAAACTCCAGCACCACGACCCTACTACTATCTCGCACCTGAAACAAGCTAACATGACTAA[C>T]ACCCTTAATTCCATCCACCCTCCTCTCCCTAGGAGGCCTGCCCCCGCTAACCGGCTTTTT-3'